The following is an entry in ClinVar:

NM_014140.4(SMARCAL1):c.1736C>T (p.Ser579Leu)

Gene: SMARCAL1 (SNF2 related chromatin remodeling annealing helicase 1; plus strand). Cytogenetic location: 2q35.
Variant type: single nucleotide variant.
Coding change: c.1736C>T on transcript NM_014140.4 (MANE Select); coding-DNA position 1736, C replaced by T.
Protein change: p.Ser579Leu; replaces serine 579 with leucine.
Molecular consequence: missense variant.
Genome position (GRCh38, 1-based): chr2:216,447,043, C>T. VCF-style: chr2-216447043-C-T. GRCh37 (hg19) VCF-style: chr2-217311766-C-T.
Other names: c.1736C>T, p.Ser579Leu (NM_001127207.2); short protein forms S579L.
Identifiers: ClinVar variation 945899 (VCV000945899.12), dbSNP rs1694331040, ClinGen allele CA350501642.

ClinVar aggregate classification (germline): Pathogenic/Likely pathogenic. Review status: criteria provided, multiple submitters, no conflicts (2 of 4 stars). 4 submissions from 4 submitters: Pathogenic (1); Likely pathogenic (3). Last evaluated 2025-06-18.

Conditions:
Schimke immuno-osseous dysplasia (SIOD). Also called: Schimke Immunoosseous Dysplasia. Identifiers: Orphanet 1830, MedGen C0877024, MONDO:0009458, OMIM 242900.

gnomAD v4.1: 7 of 1,613,926 alleles (0.00043%); highest among the groups gnomAD compares: Admixed American, 0.0017%; no homozygotes.

Submissions (4):

Labcorp Genetics (formerly Invitae), Labcorp
Classification: Pathogenic for Schimke immuno-osseous dysplasia. Last evaluated: 2025-06-18. Review status: criteria provided, single submitter. Criteria: Invitae Variant Classification Sherloc (09022015). Collection method: clinical testing. Allele origin: germline.
Comment: This sequence change replaces serine, which is neutral and polar, with leucine, which is neutral and non-polar, at codon 579 of the SMARCAL1 protein (p.Ser579Leu). This variant is not present in population databases (gnomAD no frequency). This missense change has been observed in individual(s) with Schimke immuno-osseous dysplasia (PMID: 11799392, 17089404, 22998683). In at least one individual the data is consistent with being in trans (on the opposite chromosome) from a pathogenic variant. ClinVar contains an entry for this variant (Variation ID: 945899). Invitae Evidence Modeling of protein sequence and biophysical properties (such as structural, functional, and spatial information, amino acid conservation, physicochemical variation, residue mobility, and thermodynamic stability) indicates that this missense variant is expected to disrupt SMARCAL1 protein function with a positive predictive value of 80%. Experimental studies have shown that this missense change affects SMARCAL1 function (PMID: 18805831, 26195148). For these reasons, this variant has been classified as Pathogenic.

Natera, Inc.
Classification: Likely pathogenic for Schimke immuno-osseous dysplasia. Last evaluated: 2025-05-13. Review status: criteria provided, single submitter. Criteria: Natera Variant Classification Schema (03/2026). Collection method: clinical testing. Allele origin: germline.
Comment: The c.1736C>T variant in SMARCAL1 is a missense variant predicted to cause substitution of serine to leucine at amino acid 579. This variant is rare in the general population with a frequency below the threshold expected for the associated phenotype(s). This variant has been observed in one or more individuals affected with the associated recessive disease, as either homozygous or compound heterozygous with a second variant (PMID: 40004207, 11799392, 33532864, 22998683, 32089044, 36176665, 31130284). Computational prediction algorithms indicate this variant is likely to affect gene or protein function. Given the available evidence, this variant is classified as Likely Pathogenic.

Genomic Medicine Center of Excellence, King Faisal Specialist Hospital and Research Centre
Classification: Likely pathogenic for Schimke immuno-osseous dysplasia. Last evaluated: 2024-12-19. Review status: criteria provided, single submitter. Criteria: ACMG Guidelines, 2015. Collection method: clinical testing. Allele origin: germline.

Molecular Biology Laboratory, Fundació Puigvert
Classification: Likely pathogenic for Schimke immuno-osseous dysplasia. Last evaluated: 2020-02-01. Review status: criteria provided, single submitter. Criteria: ACMG Guidelines, 2015. Collection method: research. Allele origin: germline. Affected: yes. Study: KidneyPanel_2020.

Literature cited by the submitters: PubMed 11799392 (cited by Labcorp Genetics (formerly Invitae), Labcorp and Natera, Inc.); PubMed 17089404 (cited by Labcorp Genetics (formerly Invitae), Labcorp); PubMed 22998683 (cited by Labcorp Genetics (formerly Invitae), Labcorp and Natera, Inc.); PubMed 18805831 (cited by Labcorp Genetics (formerly Invitae), Labcorp); PubMed 26195148 (cited by Labcorp Genetics (formerly Invitae), Labcorp); PubMed 40004207 (cited by Natera, Inc.); PubMed 33532864 (cited by Natera, Inc. and Molecular Biology Laboratory, Fundació Puigvert); PubMed 32089044 (cited by Natera, Inc.); PubMed 36176665 (cited by Natera, Inc.); PubMed 31130284 (cited by Natera, Inc.).